The following is an entry in ClinVar:

NM_000051.4(ATM):c.7683G>T (p.Leu2561=)

Genes: ATM (ATM serine/threonine kinase; plus strand), C11orf65 (chromosome 11 open reading frame 65; minus strand). Cytogenetic location: 11q22.3.
Variant type: single nucleotide variant.
Coding change: c.7683G>T on transcript NM_000051.4 (MANE Select); coding-DNA position 7683, G replaced by T.
Protein change: p.Leu2561=; no amino-acid change (leucine 2561 retained).
Molecular consequence: synonymous variant. On other transcripts: intron variant (2).
Genome position (GRCh38, 1-based): chr11:108,331,932, G>T. VCF-style: chr11-108331932-G-T. GRCh37 (hg19) VCF-style: chr11-108202659-G-T.
Other names: c.7683G>T, p.Leu2561= (NM_001351834.2); c.641-22861C>A (NM_001330368.2); c.*38+3288C>A (NM_001351110.2).
Identifiers: ClinVar variation 1760122 (VCV001760122.3), dbSNP rs2136519792, ClinGen allele CA476677196.
Genomic context (GRCh38, chr11:108,331,932, plus strand): 5'-CTTACAGCTAATCTCTAGAATTTCAATGGATCACCCCCATCACACTTTGTTTATTATACT[G>T]GCCTTAGCAAATGCAAACAGAGATGAATTTCTGACTAAACCAGAGGTAGCCAGAAGAAGC-3'
Protein context (NP_000042.3, residues 2551-2571): DHPHHTLFII[Leu2561=]ALANANRDEF

ClinVar aggregate classification (germline): Conflicting classifications of pathogenicity. Review status: criteria provided, conflicting classifications (1 of 4 stars). 3 submissions from 3 submitters: Uncertain significance (1); Benign (1); Likely benign (1). Last evaluated 2025-07-13.

Conditions:
Hereditary cancer-predisposing syndrome. Also called: Hereditary neoplastic syndrome; Neoplastic Syndromes, Hereditary; Tumor predisposition; Hereditary Cancer Syndrome. Identifiers: Orphanet 140162, MedGen C0027672, MeSH D009386, MONDO:0015356.
Ataxia-telangiectasia syndrome (AT). Also called: Ataxia telangiectasia (A-T); LOUIS-BAR SYNDROME; Cerebello-oculocutaneous telangiectasia; Immunodeficiency with ataxia telangiectasia; Ataxia-telangiectasia, complementation group D; AT, COMPLEMENTATION GROUP C. Identifiers: Orphanet 100, MedGen C0004135, MONDO:0008840, OMIM 208900.
Familial cancer of breast. Also called: Hereditary breast cancer; hereditary breast carcinoma; BREAST CANCER, FAMILIAL. Identifiers: Orphanet 227535, MedGen C0346153, MONDO:0016419, OMIM 114480. Disease mechanism: loss of function.

Submissions (3):

Labcorp Genetics (formerly Invitae), Labcorp
Classification: Uncertain significance for Ataxia-telangiectasia syndrome. Last evaluated: 2025-07-13. Review status: criteria provided, single submitter. Criteria: Invitae Variant Classification Sherloc (09022015). Collection method: clinical testing. Allele origin: germline.
Comment: This sequence change affects codon 2561 of the ATM mRNA. It is a 'silent' change, meaning that it does not change the encoded amino acid sequence of the ATM protein. This variant is not present in population databases (gnomAD no frequency). This variant has not been reported in the literature in individuals affected with ATM-related conditions. ClinVar contains an entry for this variant (Variation ID: 1760122). Algorithms developed to predict the effect of sequence changes on RNA splicing suggest that this variant may disrupt the consensus splice site. In summary, the available evidence is currently insufficient to determine the role of this variant in disease. Therefore, it has been classified as a Variant of Uncertain Significance.

Myriad Genetics, Inc.
Classification: Benign for Familial cancer of breast. Last evaluated: 2024-06-17. Review status: criteria provided, single submitter. Criteria: Myriad Autosomal Dominant, Autosomal Recessive and X-Linked Classification Criteria (2023). Collection method: clinical testing. Allele origin: unknown.
Comment: This variant is considered benign. This variant is a silent/synonymous amino acid change and it is not expected to impact splicing.

Ambry Genetics
Classification: Likely benign for Hereditary cancer-predisposing syndrome. Last evaluated: 2021-10-03. Review status: criteria provided, single submitter. Criteria: Ambry Variant Classification Scheme 2023. Collection method: clinical testing. Allele origin: germline.